The following is an entry in ClinVar:

ClinVar aggregate classification (germline): Uncertain significance (1 of 4 stars; one submission).

Conditions:
Lipodystrophy, partial, acquired, susceptibility to (APLD). Also called: APLD, SUSCEPTIBILITY TO. Identifiers: MedGen C3887501, MONDO:0100476, OMIM 608709.
Progressive myoclonic epilepsy type 9. Identifiers: Orphanet 457265, MedGen C4225289, MONDO:0014685, OMIM 616540.

Allele frequency attached by ClinVar (database versions not stated): gnomAD 0.00002; gnomAD exomes 0.00002; TOPMed 0.00002; ExAC 0.00003.
gnomAD v4.1: 22 of 1,613,342 alleles (0.0014%); highest among the groups gnomAD compares: Middle Eastern, 0.049%; no homozygotes.

Submission:

Labcorp Genetics (formerly Invitae), Labcorp
Classification: Uncertain significance for Progressive myoclonic epilepsy type 9; Lipodystrophy, partial, acquired, susceptibility to. Last evaluated: 2025-08-20. Review status: criteria provided, single submitter. Criteria: Invitae Variant Classification Sherloc (09022015). Collection method: clinical testing. Allele origin: germline.
Comment: This sequence change replaces valine, which is neutral and non-polar, with methionine, which is neutral and non-polar, at codon 366 of the LMNB2 protein (p.Val366Met). This variant is present in population databases (rs759720954, gnomAD 0.01%). This variant has not been reported in the literature in individuals affected with LMNB2-related conditions. ClinVar contains an entry for this variant (Variation ID: 665343). Invitae Evidence Modeling of protein sequence and biophysical properties (such as structural, functional, and spatial information, amino acid conservation, physicochemical variation, residue mobility, and thermodynamic stability) indicates that this missense variant is expected to disrupt LMNB2 protein function with a positive predictive value of 80%. In summary, the available evidence is currently insufficient to determine the role of this variant in disease. Therefore, it has been classified as a Variant of Uncertain Significance.

NM_032737.4(LMNB2):c.1096G>A (p.Val366Met)

Gene: LMNB2 (lamin B2; minus strand). Cytogenetic location: 19p13.3.
Variant type: single nucleotide variant.
Coding change: c.1096G>A on transcript NM_032737.4 (MANE Select); coding-DNA position 1096, G replaced by A.
Protein change: p.Val366Met; replaces valine 366 with methionine.
Molecular consequence: missense variant.
Genome position (GRCh38, 1-based): chr19:2,434,401, C>T on the plus strand (G>A on the coding strand, the complement: LMNB2 is on the minus strand). VCF-style: chr19-2434401-C-T. GRCh37 (hg19) VCF-style: chr19-2434399-C-T.
Other names: short protein forms V366M.
Identifiers: ClinVar variation 665343 (VCV000665343.8), dbSNP rs759720954, ClinGen allele CA9067606.